The following is an entry in ClinVar:

ClinVar aggregate classification (germline): Uncertain significance (1 of 4 stars; one submission).

Submission:

GeneDx
Classification: Uncertain significance. Last evaluated: 2025-06-26. Review status: criteria provided, single submitter. Criteria: GeneDx Variant Classification Process June 2021. Collection method: clinical testing. Allele origin: germline. Affected: yes.
Comment: Not observed at significant frequency in large population cohorts (gnomAD); In silico analysis supports that this missense variant has a deleterious effect on protein structure/function; Has not been previously published as pathogenic or benign to our knowledge

NM_006859.4(LIAS):c.349T>A (p.Cys117Ser)

Gene: LIAS (lipoic acid synthetase; plus strand). Cytogenetic location: 4p14.
Variant type: single nucleotide variant.
Coding change: c.349T>A on transcript NM_006859.4 (MANE Select); coding-DNA position 349, T replaced by A.
Protein change: p.Cys117Ser; replaces cysteine 117 with serine.
Molecular consequence: missense variant.
Genome position (GRCh38, 1-based): chr4:39,463,561, T>A. VCF-style: chr4-39463561-T-A. GRCh37 (hg19) VCF-style: chr4-39465181-T-A.
Other names: c.349T>A, p.Cys117Ser (NM_001278590.2, NM_001278591.2, NM_194451.3); c.255T>A, p.Ser85Arg (NM_001278592.2, NM_001363700.2); short protein forms C117S, S85R.
Identifiers: ClinVar variation 4540317 (VCV004540317.1).
Genomic context (GRCh38, chr4:39,463,561, plus strand): 5'-TGTTCCATTTCCTTTTGCATACAGGTATGTGAGGAAGCTCGATGTCCCAATATTGGAGAG[T>A]GTTGGGGAGGTGGAGAATATGCCACCGCCACAGCCACGATCATGGTAGGGCCAGCCTCAA-3'
Protein context (NP_006850.2, residues 107-127): EEARCPNIGE[Cys117Ser]WGGGEYATAT